The following is an entry in ClinVar:

ClinVar aggregate classification (germline): Uncertain significance (1 of 4 stars; one submission).

gnomAD v4.1: 26 of 1,613,824 alleles (0.0016%); highest among the groups gnomAD compares: East Asian, 0.0045%; 1 homozygote.

Submission:

Labcorp Genetics (formerly Invitae), Labcorp
Classification: Uncertain significance. Last evaluated: 2025-10-06. Review status: criteria provided, single submitter. Criteria: Invitae Variant Classification Sherloc (09022015). Collection method: clinical testing. Allele origin: germline.
Comment: This sequence change replaces glycine, which is neutral and non-polar, with arginine, which is basic and polar, at codon 271 of the EPHA4 protein (p.Gly271Arg). This variant is present in population databases (no rsID available, gnomAD 0.006%). This variant has not been reported in the literature in individuals affected with EPHA4-related conditions. Invitae Evidence Modeling of protein sequence and biophysical properties (such as structural, functional, and spatial information, amino acid conservation, physicochemical variation, residue mobility, and thermodynamic stability) indicates that this missense variant is not expected to disrupt EPHA4 protein function with a negative predictive value of 80%. In summary, the available evidence is currently insufficient to determine the role of this variant in disease. Therefore, it has been classified as a Variant of Uncertain Significance.

NM_004438.5(EPHA4):c.811G>A (p.Gly271Arg)

Gene: EPHA4 (EPH receptor A4; minus strand). Cytogenetic location: 2q36.1.
Variant type: single nucleotide variant.
Coding change: c.811G>A on transcript NM_004438.5 (MANE Select); coding-DNA position 811, G replaced by A.
Protein change: p.Gly271Arg; replaces glycine 271 with arginine.
Molecular consequence: missense variant.
Genome position (GRCh38, 1-based): chr2:221,563,743, C>T on the plus strand (G>A on the coding strand, the complement: EPHA4 is on the minus strand). VCF-style: chr2-221563743-C-T. GRCh37 (hg19) VCF-style: chr2-222428463-C-T.
Other names: c.811G>A, p.Gly271Arg (NM_001304536.2, NM_001363748.2); c.658G>A, p.Gly220Arg (NM_001304537.2); short protein forms G220R, G271R.
Identifiers: ClinVar variation 4695554 (VCV004695554.1).